The following is an entry in ClinVar:

ClinVar aggregate classification (germline): Uncertain significance. Review status: criteria provided, multiple submitters, no conflicts (2 of 4 stars). 2 submissions from 2 submitters: Uncertain significance (2). Last evaluated 2024-11-07.

Allele frequency attached by ClinVar (database versions not stated): TOPMed below 0.00001; ExAC 0.00001; gnomAD 0.00001; gnomAD exomes 0.00001 and 0.00002.
gnomAD v4.1: 25 of 1,614,026 alleles (0.0015%); highest among the groups gnomAD compares: East Asian, 0.0022%; no homozygotes.

Submissions (2):

Blueprint Genetics
Classification: Uncertain significance. Last evaluated: 2024-11-07. Review status: criteria provided, single submitter. Criteria: ACMG Guidelines, 2015. Collection method: clinical testing. Allele origin: germline.

Labcorp Genetics (formerly Invitae), Labcorp
Classification: Uncertain significance. Last evaluated: 2024-08-12. Review status: criteria provided, single submitter. Criteria: Invitae Variant Classification Sherloc (09022015). Collection method: clinical testing. Allele origin: germline.
Comment: This sequence change replaces leucine, which is neutral and non-polar, with phenylalanine, which is neutral and non-polar, at codon 522 of the JAK1 protein (p.Leu522Phe). This variant is present in population databases (rs765629959, gnomAD 0.003%). This variant has not been reported in the literature in individuals affected with JAK1-related conditions. ClinVar contains an entry for this variant (Variation ID: 1391280). Advanced modeling of protein sequence and biophysical properties (such as structural, functional, and spatial information, amino acid conservation, physicochemical variation, residue mobility, and thermodynamic stability) performed at Invitae indicates that this missense variant is not expected to disrupt JAK1 protein function with a negative predictive value of 80%. In summary, the available evidence is currently insufficient to determine the role of this variant in disease. Therefore, it has been classified as a Variant of Uncertain Significance.

NM_002227.4(JAK1):c.1564C>T (p.Leu522Phe)

Gene: JAK1 (Janus kinase 1; minus strand). Cytogenetic location: 1p31.3.
Variant type: single nucleotide variant.
Coding change: c.1564C>T on transcript NM_002227.4 (MANE Select); coding-DNA position 1564, C replaced by T.
Protein change: p.Leu522Phe; replaces leucine 522 with phenylalanine.
Molecular consequence: missense variant.
Genome position (GRCh38, 1-based): chr1:64,855,593, G>A on the plus strand (C>T on the coding strand, the complement: JAK1 is on the minus strand). VCF-style: chr1-64855593-G-A. GRCh37 (hg19) VCF-style: chr1-65321276-G-A.
Other names: c.1564C>T, p.Leu522Phe (NM_001320923.2, NM_001321852.2, NM_001321853.2 and 3 more transcripts); c.1561C>T, p.Leu521Phe (NM_001321857.2); short protein forms L521F, L522F.
Identifiers: ClinVar variation 1391280 (VCV001391280.7), dbSNP rs765629959, ClinGen allele CA892895.